The following is an entry in ClinVar:

ClinVar aggregate classification (germline): not provided (0 of 4 stars; one submission).

Conditions:
Large for gestational age. Identifiers: MedGen C1848395, HP:0001520.

Submission:

Institute of Molecular and Cell Biology, University of Tartu
No classification provided. Condition: Large for gestational age. Review status: no classification provided. Collection method: case-control. Allele origin: unknown. Affected: yes. Study: Kasak2014.
Comment: The study aimed to determine the contribution of copy number variants in the genetic etiology of normal and complicated pregnancies. The samples represented (i) maternal blood DNA drawn from healthy pregnant women during 1st or 2nd trimester and (ii) maternal and paternal blood DNA drawn at term pregnancy cases representing normal and complicated gestations (severe preeclampsia, PE; gestational diabetes, GD; small-for-gestational age newborn, SGA; large-for-gestational age newborn, LGA). We performed CNV calling based on genome-wide genotyping dataset (Illumina HumanOmniExpress-24-v1 BeadChip) by applying three algorithms, QuantiSNP, GADA (Genome Alteration Detection Algorithm) and CNstream in parallel. The acquired CNV calls were merged with HD-CNV (Hotspot Detector for Copy Number Variants) program and only the CNVs predicted by at least two programs, were considered in subsequent analysis.

Literature cited by the submitters: PubMed 25666259.

NM_001378183.1(PIEZO2):c.287-12958_287-4344del

Gene: PIEZO2 (piezo type mechanosensitive ion channel component 2; minus strand). Cytogenetic location: 18p11.21.
Variant type: Deletion.
Coding change: c.287-12958_287-4344del on transcript NM_001378183.1 (MANE Select); 12958 bases into the intron before coding-DNA position 287 through 4344 bases into the intron before coding-DNA position 287, 8,615 bases deleted.
Molecular consequence: intron variant.
Genome position (GRCh38, 1-based): chr18:10,915,572-10,924,186, 8,615 bases deleted. GRCh37 (hg19): chr18:10,915,570-10,924,184.
Other names: c.287-12958_287-4344del (NM_022068.4).
Identifiers: ClinVar variation 157411 (VCV000157411.2), ClinGen allele CA212459.